The following is an entry in ClinVar:

ClinVar aggregate classification (germline): Uncertain significance (1 of 4 stars; one submission).

Allele frequency attached by ClinVar (database versions not stated): gnomAD exomes 0.00002; ExAC 0.00003; TOPMed 0.00005; gnomAD 0.00006; ESP Exome Variant Server 0.00015.
gnomAD v4.1: 47 of 1,614,022 alleles (0.0029%); highest among the groups gnomAD compares: Middle Eastern, 0.016%; no homozygotes.

Submission:

Ambry Genetics
Classification: Uncertain significance. Last evaluated: 2024-11-03. Review status: criteria provided, single submitter. Criteria: Ambry Variant Classification Scheme 2023. Collection method: clinical testing. Allele origin: germline.
Comment: The p.R107W variant (also known as c.319C>T), located in coding exon 5 of the RAD54L gene, results from a C to T substitution at nucleotide position 319. The arginine at codon 107 is replaced by tryptophan, an amino acid with dissimilar properties. This amino acid position is conserved. In addition, this alteration is predicted to be tolerated by in silico analysis. Since supporting evidence is limited at this time, the clinical significance of this alteration remains unclear.

NM_003579.4(RAD54L):c.319C>T (p.Arg107Trp)

Gene: RAD54L (RAD54 like; plus strand). Cytogenetic location: 1p34.1.
Variant type: single nucleotide variant.
Coding change: c.319C>T on transcript NM_003579.4 (MANE Select); coding-DNA position 319, C replaced by T.
Protein change: p.Arg107Trp; replaces arginine 107 with tryptophan.
Molecular consequence: missense variant. On other transcripts: 5 prime UTR variant (1).
Genome position (GRCh38, 1-based): chr1:46,260,011, C>T. VCF-style: chr1-46260011-C-T. GRCh37 (hg19) VCF-style: chr1-46725683-C-T.
Other names: c.319C>T, p.Arg107Trp (NM_001142548.2); c.-222C>T (NM_001370766.1); short protein forms R107W.
Identifiers: ClinVar variation 2465040 (VCV002465040.3), dbSNP rs141019694, ClinGen allele CA834215.